The following is an entry in ClinVar:

ClinVar aggregate classification (germline): Likely benign (1 of 4 stars; one submission).

Conditions:
NCOA1-related disorder. Also called: NCOA1-related condition.

Submission:

PreventionGenetics, part of Exact Sciences
Classification: Likely benign for NCOA1-related condition. Last evaluated: 2025-10-24. Review status: criteria provided, single submitter. Criteria: ACMG Guidelines, 2015. Collection method: clinical testing. Allele origin: germline.
Comment: This variant is classified as likely benign based on ACMG/AMP sequence variant interpretation guidelines (Richards et al. 2015 PMID: 25741868, with internal and published modifications).

NM_003743.5(NCOA1):c.355-3C>A

Gene: NCOA1 (nuclear receptor coactivator 1; plus strand). Cytogenetic location: 2p23.3.
Variant type: single nucleotide variant.
Coding change: c.355-3C>A on transcript NM_003743.5 (MANE Select); 3 bases into the intron before coding-DNA position 355, C replaced by A.
Molecular consequence: intron variant.
Genome position (GRCh38, 1-based): chr2:24,682,948, C>A. VCF-style: chr2-24682948-C-A. GRCh37 (hg19) VCF-style: chr2-24905817-C-A.
Other names: c.355-3C>A (NM_001362950.1, NM_147223.3, NM_001362955.1 and 3 more transcripts).
Identifiers: ClinVar variation 4995481 (VCV004995481.1).
Genomic context (GRCh38, chr2:24,682,948, plus strand): 5'-GTATAGTTTAATTTTTCTTTTATCTTTCAACCTCCAAACCATTTTTTTCTTTTGGTTTTG[C>A]AGGCTTTGGATGGATTTTTCTTTGTTGTGAACTGTGAAGGGAGAATTGTATTTGTGTCAG-3'